The following is an entry in ClinVar:

NM_000191.3(HMGCL):c.501C>A (p.Tyr167Ter)

Gene: HMGCL (3-hydroxy-3-methylglutaryl-CoA lyase; minus strand). Cytogenetic location: 1p36.11.
Variant type: single nucleotide variant.
Coding change: c.501C>A on transcript NM_000191.3 (MANE Select); coding-DNA position 501, C replaced by A.
Protein change: p.Tyr167Ter; replaces tyrosine 167 with a stop codon.
Molecular consequence: nonsense. On other transcripts: intron variant (1).
Genome position (GRCh38, 1-based): chr1:23,810,796, G>T on the plus strand (C>A on the coding strand, the complement: HMGCL is on the minus strand). VCF-style: chr1-23810796-G-T. GRCh37 (hg19) VCF-style: chr1-24137286-G-T.
Other names: c.501C>A (NM_000191.2); c.349-2473C>A (NM_001166059.2); short protein forms Y167*.
Identifiers: ClinVar variation 1397934 (VCV001397934.8), dbSNP rs200189529, ClinGen allele CA339025466.

ClinVar aggregate classification (germline): Pathogenic/Likely pathogenic. Review status: criteria provided, multiple submitters, no conflicts (2 of 4 stars). 3 submissions from 3 submitters: Pathogenic (1); Likely pathogenic (2). Last evaluated 2026-01-20.

Conditions:
Long chain 3-hydroxyacyl-CoA dehydrogenase deficiency. Also called: LCHAD Deficiency; Deficiency of long-chain 3-hydroxyacyl-coenzyme A dehydrogenase. Identifiers: Orphanet 5, MedGen C3711645, MONDO:0012173, OMIM 609016.
Deficiency of hydroxymethylglutaryl-CoA lyase (HMGCLD). Also called: HMGCL DEFICIENCY; HYDROXYMETHYLGLUTARIC ACIDURIA; Defect in leucine metabolism; 3-hydroxy-3-methylglutaric aciduria; HMG-CoA LYASE DEFICIENCY. Identifiers: Orphanet 20, MedGen C1533587, MONDO:0009520, OMIM 246450.

gnomAD v4.1: 2 of 1,613,142 alleles (0.00012%); highest among the groups gnomAD compares: Non-Finnish European, 0.00017%; no homozygotes.

Submissions (3):

Natera, Inc.
Classification: Likely pathogenic for Deficiency of long-chain 3-hydroxyacyl-coenzyme A dehydrogenase. Last evaluated: 2026-01-20. Review status: criteria provided, single submitter. Criteria: Natera Variant Classification Schema (03/2026). Collection method: clinical testing. Allele origin: germline.
Comment: The c.501C>A variant in HMGCL is a nonsense variant predicted to introduce a stop codon at amino acid 167. This variant is expected to result in nonsense mediated decay, truncation, or a dysfunctional protein product. This variant is rare in the general population with a frequency below the threshold expected for the associated phenotype(s). Given the available evidence, this variant is classified as Likely Pathogenic.

Labcorp Genetics (formerly Invitae), Labcorp
Classification: Pathogenic for Deficiency of hydroxymethylglutaryl-CoA lyase. Last evaluated: 2024-10-15. Review status: criteria provided, single submitter. Criteria: Invitae Variant Classification Sherloc (09022015). Collection method: clinical testing. Allele origin: germline.
Comment: This sequence change creates a premature translational stop signal (p.Tyr167*) in the HMGCL gene. It is expected to result in an absent or disrupted protein product. Loss-of-function variants in HMGCL are known to be pathogenic (PMID: 9817922, 17692550, 23465862). This variant is not present in population databases (gnomAD no frequency). This variant has not been reported in the literature in individuals affected with HMGCL-related conditions. ClinVar contains an entry for this variant (Variation ID: 1397934). Algorithms developed to predict the effect of sequence changes on RNA splicing suggest that this variant may disrupt the consensus splice site. For these reasons, this variant has been classified as Pathogenic.

Baylor Genetics
Classification: Likely pathogenic for Deficiency of hydroxymethylglutaryl-CoA lyase. Last evaluated: 2023-07-18. Review status: criteria provided, single submitter. Criteria: ACMG Guidelines, 2015. Collection method: clinical testing. Allele origin: unknown.

Literature cited by the submitters: PubMed 9817922 (cited by Labcorp Genetics (formerly Invitae), Labcorp); PubMed 17692550 (cited by Labcorp Genetics (formerly Invitae), Labcorp); PubMed 23465862 (cited by Labcorp Genetics (formerly Invitae), Labcorp).